The following is an entry in ClinVar:

ClinVar aggregate classification (germline): Conflicting classifications of pathogenicity. Review status: criteria provided, conflicting classifications (1 of 4 stars). 2 submissions from 2 submitters: Uncertain significance (1); Benign (1). Last evaluated 2026-01-16.

Conditions:
Hereditary cancer-predisposing syndrome. Also called: Hereditary Cancer Syndrome; Neoplastic Syndromes, Hereditary; Tumor predisposition; Hereditary neoplastic syndrome. Identifiers: Orphanet 140162, MedGen C0027672, MeSH D009386, MONDO:0015356.
Papillary renal cell carcinoma type 1 (RCCP1). Also called: RENAL CELL CARCINOMA, PAPILLARY, 1, SOMATIC; Renal adenocarcinoma; Renal cell carcinoma 1; Renal cell carcinoma, somatic. Identifiers: Orphanet 47044, MedGen C1336839, OMIM 605074, HP:0011797.

gnomAD v4.1: 2 of 1,613,804 alleles (0.00012%); highest among the groups gnomAD compares: Non-Finnish European, 0.00017%; no homozygotes.

Submissions (2):

Ambry Genetics
Classification: Uncertain significance for Hereditary cancer-predisposing syndrome. Last evaluated: 2026-01-16. Review status: criteria provided, single submitter. Criteria: Ambry Variant Classification Scheme 2023. Collection method: clinical testing. Allele origin: germline.
Comment: The c.2775A>G variant (also known as p.L925L), located in coding exon 11 of the MET gene, results from an A to G substitution at nucleotide position 2775. This nucleotide substitution does not change the amino acid at codon 925. This nucleotide position is well conserved in available vertebrate species. In silico splice site analysis for this alteration is inconclusive. Based on the available evidence, the clinical significance of this variant remains unclear.

Myriad Genetics, Inc.
Classification: Benign for Papillary renal cell carcinoma type 1. Last evaluated: 2024-11-12. Review status: criteria provided, single submitter. Criteria: Myriad Autosomal Dominant, Autosomal Recessive and X-Linked Classification Criteria (2023). Collection method: clinical testing. Allele origin: unknown.
Comment: This variant is considered benign. This variant is a silent/synonymous amino acid change and it is not expected to impact splicing.

NM_000245.4(MET):c.2721A>G (p.Leu907=)

Gene: MET (MET proto-oncogene, receptor tyrosine kinase; plus strand). Cytogenetic location: 7q31.2.
Variant type: single nucleotide variant.
Coding change: c.2721A>G on transcript NM_000245.4 (MANE Select); coding-DNA position 2721, A replaced by G.
Protein change: p.Leu907=; no amino-acid change (leucine 907 retained).
Molecular consequence: synonymous variant.
Genome position (GRCh38, 1-based): chr7:116,769,782, A>G. VCF-style: chr7-116769782-A-G. GRCh37 (hg19) VCF-style: chr7-116409836-A-G.
Other names: c.2775A>G, p.Leu925= (NM_001127500.3); c.2721A>G, p.Leu907= (NM_001324401.3); c.1431A>G, p.Leu477= (NM_001324402.2).
Identifiers: ClinVar variation 3773046 (VCV003773046.2).